The following is an entry in ClinVar:

NM_000064.4(C3):c.1924G>A (p.Ala642Thr)

Gene: C3 (complement C3; minus strand). Cytogenetic location: 19p13.3.
Variant type: single nucleotide variant.
Coding change: c.1924G>A on transcript NM_000064.4 (MANE Select); coding-DNA position 1924, G replaced by A.
Protein change: p.Ala642Thr; replaces alanine 642 with threonine.
Molecular consequence: missense variant.
Genome position (GRCh38, 1-based): chr19:6,707,851, C>T on the plus strand (G>A on the coding strand, the complement: C3 is on the minus strand). VCF-style: chr19-6707851-C-T. GRCh37 (hg19) VCF-style: chr19-6707862-C-T.
Other names: short protein forms A642T.
Identifiers: ClinVar variation 2093816 (VCV002093816.5), dbSNP rs774155819, ClinGen allele CA403638281.

ClinVar aggregate classification (germline): Uncertain significance. Review status: criteria provided, multiple submitters, no conflicts (2 of 4 stars). 2 submissions from 2 submitters: Uncertain significance (2). Last evaluated 2024-08-12.

Conditions:
Inborn genetic diseases. Identifiers: MedGen C0950123, MeSH D030342.

Allele frequency attached by ClinVar (database versions not stated): gnomAD 0.00001.
gnomAD v4.1: 4 of 1,613,822 alleles (0.00025%); highest among the groups gnomAD compares: Non-Finnish European, 0.00034%; no homozygotes.

Submissions (2):

Ambry Genetics
Classification: Uncertain significance for Inborn genetic diseases. Last evaluated: 2024-08-12. Review status: criteria provided, single submitter. Criteria: Ambry Variant Classification Scheme 2023. Collection method: clinical testing. Allele origin: germline.

Labcorp Genetics (formerly Invitae), Labcorp
Classification: Uncertain significance. Last evaluated: 2023-04-07. Review status: criteria provided, single submitter. Criteria: Invitae Variant Classification Sherloc (09022015). Collection method: clinical testing. Allele origin: germline.
Comment: Advanced modeling of protein sequence and biophysical properties (such as structural, functional, and spatial information, amino acid conservation, physicochemical variation, residue mobility, and thermodynamic stability) performed at Invitae indicates that this missense variant is expected to disrupt C3 protein function. ClinVar contains an entry for this variant (Variation ID: 2093816). This variant has not been reported in the literature in individuals affected with C3-related conditions. This variant is not present in population databases (gnomAD no frequency). This sequence change replaces alanine, which is neutral and non-polar, with threonine, which is neutral and polar, at codon 642 of the C3 protein (p.Ala642Thr). In summary, the available evidence is currently insufficient to determine the role of this variant in disease. Therefore, it has been classified as a Variant of Uncertain Significance.